The following is an entry in ClinVar:

NM_000388.4(CASR):c.293T>C (p.Phe98Ser)

Gene: CASR (calcium sensing receptor; plus strand). Cytogenetic location: 3q21.1.
Variant type: single nucleotide variant.
Coding change: c.293T>C on transcript NM_000388.4 (MANE Select); coding-DNA position 293, T replaced by C.
Protein change: p.Phe98Ser; replaces phenylalanine 98 with serine.
Molecular consequence: missense variant.
Genome position (GRCh38, 1-based): chr3:122,257,188, T>C. VCF-style: chr3-122257188-T-C. GRCh37 (hg19) VCF-style: chr3-121976035-T-C.
Other names: c.293T>C, p.Phe98Ser (NM_001178065.2); short protein forms F98S.
Identifiers: ClinVar variation 948333 (VCV000948333.8), dbSNP rs2074563967, ClinGen allele CA354362580.

ClinVar aggregate classification (germline): Uncertain significance (1 of 4 stars; one submission).

Conditions:
Familial hypocalciuric hypercalcemia (FHH). Also called: Familial benign hypercalcemia. Identifiers: Orphanet 405, MedGen C1809471, MONDO:0018458.
Autosomal dominant hypocalcemia 1 (HYPOC1). Also called: HYPOCALCEMIA, FAMILIAL. Identifiers: MedGen C3715128, MONDO:0011013, OMIM 601198.

Submission:

Labcorp Genetics (formerly Invitae), Labcorp
Classification: Uncertain significance for Familial hypocalciuric hypercalcemia; Autosomal dominant hypocalcemia 1. Last evaluated: 2021-10-01. Review status: criteria provided, single submitter. Criteria: Invitae Variant Classification Sherloc (09022015). Collection method: clinical testing. Allele origin: germline.
Comment: In summary, the available evidence is currently insufficient to determine the role of this variant in disease. Therefore, it has been classified as a Variant of Uncertain Significance. Algorithms developed to predict the effect of missense changes on protein structure and function (SIFT, PolyPhen-2, Align-GVGD) all suggest that this variant is likely to be disruptive. This variant has not been reported in the literature in individuals affected with CASR-related conditions. This variant is not present in population databases (ExAC no frequency). This sequence change replaces phenylalanine with serine at codon 98 of the CASR protein (p.Phe98Ser). The phenylalanine residue is highly conserved and there is a large physicochemical difference between phenylalanine and serine.